The following is an entry in ClinVar:

NC_000015.10:g.66386775C>T

Gene: MAP2K1 (mitogen-activated protein kinase kinase 1; plus strand). Cytogenetic location: 15q22.31.
Variant type: single nucleotide variant.
Genome position: GRCh38 VCF-style: chr15-66386775-C-T. GRCh37 (hg19) VCF-style: chr15-66679113-C-T.
Identifiers: ClinVar variation 2645467 (VCV002645467.24), dbSNP rs2093340944, ClinGen allele CA2184051032.

ClinVar aggregate classification (germline): Uncertain significance (1 of 4 stars; one submission).

Submission:

CeGaT Center for Human Genetics Tuebingen
Classification: Uncertain significance. Last evaluated: 2023-02-01. Review status: criteria provided, single submitter. Criteria: CeGaT Center For Human Genetics Tuebingen Variant Classification Criteria Version 2. Collection method: clinical testing. Allele origin: germline. Affected: yes. Observed: 1 variant allele.
Comment: MAP2K1: PM2